The following is an entry in ClinVar:

NM_018896.5(CACNA1G):c.5902A>T (p.Ser1968Cys)

Gene: CACNA1G (calcium voltage-gated channel subunit alpha1 G; plus strand). Cytogenetic location: 17q21.33.
Variant type: single nucleotide variant.
Coding change: c.5902A>T on transcript NM_018896.5 (MANE Select); coding-DNA position 5902, A replaced by T.
Protein change: p.Ser1968Cys; replaces serine 1968 with cysteine.
Molecular consequence: missense variant. On other transcripts: intron variant (20).
Genome position (GRCh38, 1-based): chr17:50,619,803, A>T. VCF-style: chr17-50619803-A-T. GRCh37 (hg19) VCF-style: chr17-48697164-A-T.
Other names: c.5848A>T, p.Ser1950Cys (NM_001256324.2); c.5767A>T, p.Ser1923Cys (NM_001256326.2); c.5869A>T, p.Ser1957Cys (NM_198377.3, NM_198380.3); c.5800A>T, p.Ser1934Cys (NM_198379.3, NM_198396.3); c.5902A>T, p.Ser1968Cys (NM_198385.3); c.5802+795A>T (NM_001256325.2); c.5748+795A>T (NM_198378.3, NM_001256334.2); c.5781+795A>T (NM_198384.3, NM_001256333.2); and 12 more; short protein forms S1934C, S1923C, S1968C, S1950C, S1957C.
Identifiers: ClinVar variation 4748543 (VCV004748543.1).

ClinVar aggregate classification (germline): Uncertain significance (1 of 4 stars; one submission).

gnomAD v4.1: 13 of 1,606,184 alleles (0.00081%); highest among the groups gnomAD compares: Middle Eastern, 0.082%; no homozygotes.

Submission:

Labcorp Genetics (formerly Invitae), Labcorp
Classification: Uncertain significance. Last evaluated: 2025-03-13. Review status: criteria provided, single submitter. Criteria: Invitae Variant Classification Sherloc (09022015). Collection method: clinical testing. Allele origin: germline.
Comment: This sequence change replaces serine, which is neutral and polar, with cysteine, which is neutral and slightly polar, at codon 1968 of the CACNA1G protein (p.Ser1968Cys). This variant is present in population databases (rs751865150, gnomAD 0.002%). This variant has not been reported in the literature in individuals affected with CACNA1G-related conditions. Invitae Evidence Modeling of protein sequence and biophysical properties (such as structural, functional, and spatial information, amino acid conservation, physicochemical variation, residue mobility, and thermodynamic stability) indicates that this missense variant is not expected to disrupt CACNA1G protein function with a negative predictive value of 95%. In summary, the available evidence is currently insufficient to determine the role of this variant in disease. Therefore, it has been classified as a Variant of Uncertain Significance.